The following is an entry in ClinVar:

ClinVar aggregate classification (germline): Pathogenic (1 of 4 stars; one submission).

Conditions:
3-methylcrotonyl-CoA carboxylase 2 deficiency. Also called: 3 alpha methylcrotonyl-CoA carboxylase 2 deficiency; 3 alpha methylcrotonylglycinuria 2; MCC 2 deficiency; Methylcrotonylglycinuria type 2; METHYLCROTONYLGLYCINURIA, TYPE II. Identifiers: Orphanet 6, MedGen C1859499, MONDO:0008862, OMIM 210210.

Submission:

Labcorp Genetics (formerly Invitae), Labcorp
Classification: Pathogenic for 3-methylcrotonyl-CoA carboxylase 2 deficiency. Last evaluated: 2024-01-17. Review status: criteria provided, single submitter. Criteria: Invitae Variant Classification Sherloc (09022015). Collection method: clinical testing. Allele origin: unknown.
Comment: This variant is a gross deletion of the genomic region encompassing exon(s) 8-10 of the MCCC2 gene. This variant would be expected to be in-frame, preserving the integrity of the reading frame. This variant has not been reported in the literature in individuals affected with MCCC2-related conditions. This variant disrupts a region of the MCCC2 protein in which other variant(s) (p.Pro310Arg) have been determined to be pathogenic (PMID: 11181649, 22642865; Invitae). This suggests that this is a clinically significant region of the protein, and that variants that disrupt it are likely to be disease-causing. For these reasons, this variant has been classified as Pathogenic.

Literature cited by the submitters: PubMed 11181649; PubMed 22642865.

NC_000005.9:g.(?_70927928)_(70931093_?)del

Gene: MCCC2 (methylcrotonyl-CoA carboxylase subunit 2; plus strand). Cytogenetic location: 5q13.2.
Variant type: Deletion.
Identifiers: ClinVar variation 3246358 (VCV003246358.1).